The following is an entry in ClinVar:

ClinVar aggregate classification (germline): Uncertain significance (1 of 4 stars; one submission).

gnomAD v4.1: 2 of 1,613,022 alleles (0.00012%); highest among the groups gnomAD compares: Non-Finnish European, 0.00017%; no homozygotes.

Submission:

CeGaT Center for Human Genetics Tuebingen
Classification: Uncertain significance. Last evaluated: 2026-05-01. Review status: criteria provided, single submitter. Criteria: CeGaT Center For Human Genetics Tuebingen Variant Classification Criteria Version 2. Collection method: clinical testing. Allele origin: germline. Affected: yes. Observed: 1 variant allele.
Comment: TTN: PM2

NM_001267550.2(TTN):c.59831G>A (p.Gly19944Asp)

Genes: TTN (titin; minus strand), TTN-AS1 (TTN antisense RNA 1; plus strand), LOC126806424 (CDK7 strongly-dependent group 2 enhancer GRCh37_chr2:179456337-179457536; plus strand). Cytogenetic location: 2q31.2.
Variant type: single nucleotide variant.
Coding change: c.59831G>A on transcript NM_001267550.2 (MANE Select); coding-DNA position 59831, G replaced by A.
Protein change: p.Gly19944Asp; replaces glycine 19944 with aspartic acid.
Molecular consequence: missense variant.
Genome position (GRCh38, 1-based): chr2:178,592,073, C>T on the plus strand (G>A on the coding strand, the complement: TTN is on the minus strand). VCF-style: chr2-178592073-C-T. GRCh37 (hg19) VCF-style: chr2-179456800-C-T.
Other names: c.54908G>A, p.Gly18303Asp (NM_001256850.1); c.32636G>A, p.Gly10879Asp (NM_003319.4); c.52127G>A, p.Gly17376Asp (NM_133378.4); c.33011G>A, p.Gly11004Asp (NM_133432.3); c.33212G>A, p.Gly11071Asp (NM_133437.4); short protein forms G10879D, G11004D, G11071D, G17376D, G18303D, G19944D.
Identifiers: ClinVar variation 4874940 (VCV004874940.2).